The following is an entry in ClinVar:

NM_015015.3(KDM4B):c.209C>T (p.Ala70Val)

Gene: KDM4B (lysine demethylase 4B; plus strand). Cytogenetic location: 19p13.3.
Variant type: single nucleotide variant.
Coding change: c.209C>T on transcript NM_015015.3 (MANE Select); coding-DNA position 209, C replaced by T.
Protein change: p.Ala70Val; replaces alanine 70 with valine.
Molecular consequence: missense variant.
Genome position (GRCh38, 1-based): chr19:5,039,903, C>T. VCF-style: chr19-5039903-C-T. GRCh37 (hg19) VCF-style: chr19-5039914-C-T.
Other names: c.209C>T, p.Ala70Val (NM_001370093.1, NM_001370094.1, NM_001411148.1); short protein forms A70V.
Identifiers: ClinVar variation 2572176 (VCV002572176.1), dbSNP rs746110307, ClinGen allele CA9107261.

ClinVar aggregate classification (germline): Uncertain significance (1 of 4 stars; one submission).

Allele frequency attached by ClinVar (database versions not stated): gnomAD exomes below 0.00001; ExAC 0.00001; gnomAD 0.00001.
gnomAD v4.1: 5 of 1,612,892 alleles (0.00031%); highest among the groups gnomAD compares: Non-Finnish European, 0.00042%; no homozygotes.

Submission:

Greenwood Genetic Center Diagnostic Laboratories, Greenwood Genetic Center
Classification: Uncertain significance. Last evaluated: 2023-03-31. Review status: criteria provided, single submitter. Criteria: ACMG Guidelines, 2015. Collection method: clinical testing. Allele origin: germline. Affected: yes.
Comment: PM2, PP2, PP3